The following is an entry in ClinVar:

ClinVar aggregate classification (germline): Uncertain significance (1 of 4 stars; one submission).

Conditions:
Intellectual developmental disorder, X-linked 1. Also called: Atkin Flaitz Patil Smith syndrome; MENTAL RETARDATION, X-LINKED 18; MENTAL RETARDATION, X-LINKED 78; Intellectual disability, X-linked 1. Identifiers: Orphanet 777, MedGen C2931498, MONDO:0010656, OMIM 309530.

Submission:

Labcorp Genetics (formerly Invitae), Labcorp
Classification: Uncertain significance for Intellectual developmental disorder, X-linked 1. Last evaluated: 2025-04-08. Review status: criteria provided, single submitter. Criteria: Invitae Variant Classification Sherloc (09022015). Collection method: clinical testing. Allele origin: germline.
Comment: This sequence change replaces arginine, which is basic and polar, with tryptophan, which is neutral and slightly polar, at codon 1069 of the IQSEC2 protein (p.Arg1069Trp). This variant is not present in population databases (gnomAD no frequency). This variant has not been reported in the literature in individuals affected with IQSEC2-related conditions. Invitae Evidence Modeling of protein sequence and biophysical properties (such as structural, functional, and spatial information, amino acid conservation, physicochemical variation, residue mobility, and thermodynamic stability) indicates that this missense variant is expected to disrupt IQSEC2 protein function with a positive predictive value of 95%. This variant disrupts the p.Arg1069 amino acid residue in IQSEC2. Other variant(s) that disrupt this residue have been observed in individuals with IQSEC2-related conditions (PMID: 30206421, 35347702), which suggests that this may be a clinically significant amino acid residue. In summary, the available evidence is currently insufficient to determine the role of this variant in disease. Therefore, it has been classified as a Variant of Uncertain Significance.

Literature cited by the submitters: PubMed 30206421; PubMed 35347702.

NM_001111125.3(IQSEC2):c.3205C>T (p.Arg1069Trp)

Gene: IQSEC2 (IQ motif and Sec7 domain ArfGEF 2; minus strand). Cytogenetic location: Xp11.22.
Variant type: single nucleotide variant.
Coding change: c.3205C>T on transcript NM_001111125.3 (MANE Select); coding-DNA position 3205, C replaced by T.
Protein change: p.Arg1069Trp; replaces arginine 1069 with tryptophan.
Molecular consequence: missense variant.
Genome position (GRCh38, 1-based): chrX:53,238,217, G>A on the plus strand (C>T on the coding strand, the complement: IQSEC2 is on the minus strand). VCF-style: chrX-53238217-G-A. GRCh37 (hg19) VCF-style: chrX-53267399-G-A.
Other names: c.3205C>T, p.Arg1069Trp (NM_001410736.1, NM_001441092.1); c.2707C>T, p.Arg903Trp (NM_001441093.1); c.2494C>T, p.Arg832Trp (NM_001441094.1, NM_001441095.1); c.2590C>T, p.Arg864Trp (NM_015075.2); short protein forms R1069W, R832W, R864W, R903W.
Identifiers: ClinVar variation 4801016 (VCV004801016.1).
Genomic context (GRCh38, chrX:53,238,217, plus strand): 5'-ATTTCTCCATCTCCTGCACCTCCGCAATGGACTCGCGCAGGTCGGATGTAAAGCGCAGCC[G>A]GTCCTGGAGGCTGGGGGCATTGAAGATGATGAGGACTTTTCGCTCCCCACCAGGTACTGC-3'
Protein context (NP_001104595.1, residues 1059-1079): IIFNAPSLQD[Arg1069Trp]LRFTSDLRES